The following is an entry in ClinVar:

NM_003000.3(SDHB):c.34C>T (p.Arg12Trp)

Gene: SDHB (succinate dehydrogenase complex iron sulfur subunit B; minus strand). Cytogenetic location: 1p36.13.
Variant type: single nucleotide variant.
Coding change: c.34C>T on transcript NM_003000.3 (MANE Select); coding-DNA position 34, C replaced by T.
Protein change: p.Arg12Trp; replaces arginine 12 with tryptophan.
Molecular consequence: missense variant.
Genome position (GRCh38, 1-based): chr1:17,053,986, G>A on the plus strand (C>T on the coding strand, the complement: SDHB is on the minus strand). VCF-style: chr1-17053986-G-A. GRCh37 (hg19) VCF-style: chr1-17380481-G-A.
Other names: short protein forms R12W.
Identifiers: ClinVar variation 486427 (VCV000486427.14), dbSNP rs761996626, ClinGen allele CA338230823.

ClinVar aggregate classification (germline): Uncertain significance. Review status: criteria provided, multiple submitters, no conflicts (2 of 4 stars). 3 submissions from 3 submitters: Uncertain significance (3). Last evaluated 2025-05-11.

Conditions:
SDHB-related disorder. Also called: SDHB-related condition; SDHB-related disorders. Identifiers: MedGen CN239418.
Pheochromocytoma/paraganglioma syndrome 4. Also called: CAROTID BODY TUMORS AND MULTIPLE EXTRAADRENAL PHEOCHROMOCYTOMAS; PARAGANGLIOMA, FAMILIAL MALIGNANT; PARAGANGLIOMAS, HEREDITARY EXTRAADRENAL; PHEOCHROMOCYTOMA, FAMILIAL EXTRAADRENAL; SDHB-Related Hereditary Paraganglioma-Pheochromocytoma Syndrome (Paragangliomas 4); SDHB-Related Hereditary Paraganglioma-Pheochromocytoma Syndrome. Identifiers: Orphanet 29072, MedGen C1861848, MONDO:0007273, OMIM 115310.
Gastrointestinal stromal tumor. Also called: Gastrointestinal stromal tumor, somatic; Gastrointestinal stroma tumor. Identifiers: Orphanet 44890, MedGen C0238198, MeSH D046152, MONDO:0011719, OMIM 606764, HP:0100723.
Pheochromocytoma. Also called: MAX-Related Hereditary Paraganglioma-Pheochromocytoma Syndrome. Identifiers: Orphanet 29072, MedGen C0031511, MONDO:0008233, OMIM 171300, HP:0002666.
Hereditary cancer-predisposing syndrome. Also called: Neoplastic Syndromes, Hereditary; Hereditary Cancer Syndrome; Tumor predisposition; Hereditary neoplastic syndrome. Identifiers: Orphanet 140162, MedGen C0027672, MeSH D009386, MONDO:0015356.

gnomAD v4.1: 3 of 1,612,808 alleles (0.00019%); highest among the groups gnomAD compares: Admixed American, 0.0017%; no homozygotes.

Submissions (3):

Labcorp Genetics (formerly Invitae), Labcorp
Classification: Uncertain significance for Gastrointestinal stromal tumor; Pheochromocytoma/paraganglioma syndrome 4; Pheochromocytoma. Last evaluated: 2025-05-11. Review status: criteria provided, single submitter. Criteria: Invitae Variant Classification Sherloc (09022015). Collection method: clinical testing. Allele origin: germline.
Comment: This sequence change replaces arginine, which is basic and polar, with tryptophan, which is neutral and slightly polar, at codon 12 of the SDHB protein (p.Arg12Trp). This variant is not present in population databases (gnomAD no frequency). This variant has not been reported in the literature in individuals affected with SDHB-related conditions. ClinVar contains an entry for this variant (Variation ID: 486427). Invitae Evidence Modeling of protein sequence and biophysical properties (such as structural, functional, and spatial information, amino acid conservation, physicochemical variation, residue mobility, and thermodynamic stability) indicates that this missense variant is not expected to disrupt SDHB protein function with a negative predictive value of 95%. In summary, the available evidence is currently insufficient to determine the role of this variant in disease. Therefore, it has been classified as a Variant of Uncertain Significance.

PreventionGenetics, part of Exact Sciences
Classification: Uncertain significance for SDHB-related condition. Last evaluated: 2025-02-05. Review status: criteria provided, single submitter. Criteria: ACMG Guidelines, 2015. Collection method: clinical testing. Allele origin: germline.
Comment: The SDHB c.34C>T variant is predicted to result in the amino acid substitution p.Arg12Trp. To our knowledge, this variant has not been reported in the literature or in a large population database (gnomAD), indicating this variant is rare. This variant is interpreted as having uncertain clinical significance in ClinVar. At this time, the clinical significance of this variant is uncertain due to the absence of conclusive functional and genetic evidence.

Ambry Genetics
Classification: Uncertain significance for Hereditary cancer-predisposing syndrome. Last evaluated: 2023-10-25. Review status: criteria provided, single submitter. Criteria: Ambry Variant Classification Scheme 2023. Collection method: clinical testing. Allele origin: germline.
Comment: The p.R12W variant (also known as c.34C>T), located in coding exon 1 of the SDHB gene, results from a C to T substitution at nucleotide position 34. The arginine at codon 12 is replaced by tryptophan, an amino acid with dissimilar properties. This amino acid position is not well conserved in available vertebrate species. In addition, the in silico prediction for this alteration is inconclusive. Since supporting evidence is limited at this time, the clinical significance of this alteration remains unclear.